The following is an entry in ClinVar:

NM_001257291.2(SLC9A7):c.1350T>G (p.Phe450Leu)

Gene: SLC9A7 (solute carrier family 9 member A7; minus strand). Cytogenetic location: Xp11.3.
Variant type: single nucleotide variant.
Coding change: c.1350T>G on transcript NM_001257291.2 (MANE Select); coding-DNA position 1350, T replaced by G.
Protein change: p.Phe450Leu; replaces phenylalanine 450 with leucine.
Molecular consequence: missense variant.
Genome position (GRCh38, 1-based): chrX:46,651,110, A>C on the plus strand (T>G on the coding strand, the complement: SLC9A7 is on the minus strand). VCF-style: chrX-46651110-A-C. GRCh37 (hg19) VCF-style: chrX-46510545-A-C.
Other names: c.1347T>G, p.Phe449Leu (NM_032591.3); short protein forms F449L, F450L.
Identifiers: ClinVar variation 1683728 (VCV001683728.2), dbSNP rs2146777620, ClinGen allele CA413035376.

ClinVar aggregate classification (germline): Uncertain significance (1 of 4 stars; one submission).

Conditions:
Intellectual developmental disorder, X-linked 108. Also called: MENTAL RETARDATION, X-LINKED 108. Identifiers: MedGen C5193009, MONDO:0026723, OMIM 301024.

Submission:

Laboratorio de Genetica e Diagnostico Molecular, Hospital Israelita Albert Einstein
Classification: Uncertain significance for Intellectual developmental disorder, X-linked 108. Last evaluated: 2022-02-15. Review status: criteria provided, single submitter. Criteria: ACMG Guidelines, 2015. Collection method: clinical testing. Allele origin: germline. Affected: yes.
Comment: ACMG classification criteria: PM2 moderate, BP4 supporting